The following is an entry in ClinVar:

ClinVar aggregate classification (germline): Uncertain significance (1 of 4 stars; one submission).

Submission:

Labcorp Genetics (formerly Invitae), Labcorp
Classification: Uncertain significance. Last evaluated: 2023-06-25. Review status: criteria provided, single submitter. Criteria: Invitae Variant Classification Sherloc (09022015). Collection method: clinical testing. Allele origin: germline.
Comment: In summary, the available evidence is currently insufficient to determine the role of this variant in disease. Therefore, it has been classified as a Variant of Uncertain Significance. Algorithms developed to predict the effect of missense changes on protein structure and function output the following: SIFT: "Not Available"; PolyPhen-2: "Not Available"; Align-GVGD: "Not Available". The valine amino acid residue is found in multiple mammalian species, which suggests that this missense change does not adversely affect protein function. This variant has not been reported in the literature in individuals affected with MYH14-related conditions. This variant is not present in population databases (gnomAD no frequency). This sequence change replaces alanine, which is neutral and non-polar, with valine, which is neutral and non-polar, at codon 1973 of the MYH14 protein (p.Ala1973Val).

NM_001145809.2(MYH14):c.6041C>T (p.Ala2014Val)

Gene: MYH14 (myosin heavy chain 14; plus strand). Cytogenetic location: 19q13.33.
Variant type: single nucleotide variant.
Coding change: c.6041C>T on transcript NM_001145809.2 (MANE Select); coding-DNA position 6041, C replaced by T.
Protein change: p.Ala2014Val; replaces alanine 2014 with valine.
Molecular consequence: missense variant.
Genome position (GRCh38, 1-based): chr19:50,309,720, C>T. VCF-style: chr19-50309720-C-T. GRCh37 (hg19) VCF-style: chr19-50812977-C-T.
Other names: c.5942C>T, p.Ala1981Val (NM_001077186.2); c.5918C>T, p.Ala1973Val (NM_024729.4); short protein forms A1973V, A2014V, A1981V.
Identifiers: ClinVar variation 2851184 (VCV002851184.3), dbSNP rs2513782377, ClinGen allele CA406966189.